The following is an entry in ClinVar:

ClinVar aggregate classification (germline): Benign/Likely benign. Review status: criteria provided, multiple submitters, no conflicts (2 of 4 stars). 7 submissions from 7 submitters: Benign (4); Likely benign (3). Last evaluated 2026-01-27.

Conditions:
Hereditary pulmonary alveolar proteinosis. Also called: Pulmonary surfactant metabolism dysfunction. Identifiers: Orphanet 264675, MedGen C3711368, MONDO:0012580.
Surfactant metabolism dysfunction, pulmonary, 1. Also called: INTERSTITIAL LUNG DISEASE DUE TO SURFACTANT PROTEIN B DEFICIENCY; INTERSTITIAL LUNG DISEASE, NONSPECIFIC, DUE TO SURFACTANT PROTEIN B DEFICIENCY; PULMONARY ALVEOLAR PROTEINOSIS, CONGENITAL, 1; Pulmonary surfactant protein B, deficiency of; Neonatal acute respiratory distress due to SP-B deficiency. Identifiers: Orphanet 217563, MedGen C1968602, MONDO:0009929, OMIM 265120.

Allele frequency attached by ClinVar (database versions not stated): ESP Exome Variant Server 0.00208; 1000 Genomes Project 30x 0.00250; gnomAD 0.00255 and 0.00269; TOPMed 0.00264; 1000 Genomes Project 0.00280; gnomAD exomes 0.00288 and 0.00384; ExAC 0.00392.
gnomAD v4.1: 4,762 of 1,613,860 alleles (0.3%); highest among the groups gnomAD compares: Middle Eastern, 2.8%; 38 homozygotes.

Submissions (7):

Labcorp Genetics (formerly Invitae), Labcorp
Classification: Benign. Last evaluated: 2026-01-27. Review status: criteria provided, single submitter. Criteria: Invitae Variant Classification Sherloc (09022015). Collection method: clinical testing. Allele origin: germline.

Blueprint Genetics
Classification: Likely benign. Last evaluated: 2024-11-21. Review status: criteria provided, single submitter. Criteria: ACMG Guidelines, 2015. Collection method: clinical testing. Allele origin: germline.

Ambry Genetics
Classification: Benign for Hereditary pulmonary alveolar proteinosis. Last evaluated: 2020-09-09. Review status: criteria provided, single submitter. Criteria: Ambry Variant Classification Scheme 2023. Collection method: clinical testing. Allele origin: germline.

Illumina Laboratory Services, Illumina
Classification: Likely benign for Surfactant metabolism dysfunction, pulmonary, 1. Last evaluated: 2018-01-12. Review status: criteria provided, single submitter. Criteria: ICSL Variant Classification Criteria 13 December 2019. Collection method: clinical testing. Allele origin: germline.
Comment: This variant was observed in the ICSL laboratory as part of a predisposition screen in an ostensibly healthy population. It had not been previously curated by ICSL or reported in the Human Gene Mutation Database (HGMD: prior to June 1st, 2018), and was therefore a candidate for classification through an automated scoring system. Utilizing variant allele frequency, disease prevalence and penetrance estimates, and inheritance mode, an automated score was calculated to assess if this variant is too frequent to cause the disease. Based on the score and internal cut-off values, a variant classified as likely benign is not then subjected to further curation. The score for this variant resulted in a classification of likely benign for this disease.

Eurofins Ntd Llc (ga)
Classification: Benign. Last evaluated: 2016-09-21. Review status: criteria provided, single submitter. Criteria: EGL Classification Definitions 2015. Collection method: clinical testing. Allele origin: germline. Observed: 1 variant allele, 1 heterozygote.

Laboratory for Molecular Medicine, Mass General Brigham Personalized Medicine
Classification: Benign. Last evaluated: 2013-02-21. Review status: criteria provided, single submitter. Criteria: LMM Criteria. Collection method: clinical testing. Allele origin: germline. Observed: 3 variant alleles.
Comment: Glu109Glu in exon 5 of SFTPB: This variant is not expected to have clinical sign ificance because it does not alter an amino acid residue and is not located with in the splice consensus sequence. It has been identified in 0.3% (26/8600) of Eu ropean American chromosomes from a broad population by the NHLBI Exome Sequencin g Project (dbSNP rs34682912).

Breakthrough Genomics
Classification: Likely benign. Review status: criteria provided, single submitter. Criteria: ACMG Guidelines, 2015. Collection method: not provided. Allele origin: germline. Inheritance: Autosomal recessive inheritance. Affected: yes.

NM_000542.5(SFTPB):c.291G>A (p.Glu97=)

Gene: SFTPB (surfactant protein B; minus strand). Cytogenetic location: 2p11.2.
Variant type: single nucleotide variant.
Coding change: c.291G>A on transcript NM_000542.5 (MANE Select); coding-DNA position 291, G replaced by A.
Protein change: p.Glu97=; no amino-acid change (glutamic acid 97 retained).
Molecular consequence: synonymous variant.
Genome position (GRCh38, 1-based): chr2:85,666,719, C>T on the plus strand (G>A on the coding strand, the complement: SFTPB is on the minus strand). VCF-style: chr2-85666719-C-T. GRCh37 (hg19) VCF-style: chr2-85893842-C-T.
Other names: c.291G>A, p.Glu97= (NM_001367281.2, NM_198843.4).
Identifiers: ClinVar variation 165205 (VCV000165205.26), dbSNP rs34682912, ClinGen allele CA177945.